The following continues an entry in ClinVar:

NM_012452.3(TNFRSF13B):c.310T>C (p.Cys104Arg)

Gene: TNFRSF13B. ClinVar aggregate classification (germline): Conflicting classifications of pathogenicity; risk factor. Pathogenic (21); Likely pathogenic (14); Uncertain significance (3).

Submissions 47 to 55 of 55:

Department of Pathology and Laboratory Medicine, Sinai Health System
Classification: Established risk allele for Common variable immunodeficiency 2. Review status: no assertion criteria provided. Collection method: research. Allele origin: unknown. Not counted in ClinVar's aggregate classification.
Comment: The TNFRSF13B c.310T>C (p.Cys104Arg) variant has been reported in >50 homozygous, heterozygous, and compound heterozygous individuals with common variable immune deficiency (CVID), as well as in multiple healthy individuals (Salzer_2009_PMID: 18981294; Barroeta Seijas_2012_PMID: 22697072; Martinez-Gallo_2013_PMID: 23237420; Lee_2010_PMID: 20889194; Pulvirenti_2016_PMID: 27123465; Freiberger_2012_PMID: 22884984). In addition, this variant segregated with disease in at least 13 members from 7 families; however, asymptomatic homozygous and heterozygous family members were also identified, suggesting incomplete penetrance (Salzer_2009_PMID: 18981294; Barroeta Seijas_2012_PMID: 22697072; Martinez-Gallo_2013_PMID: 23237420; Koopmans_2013_PMID: 22983507). The variant was identified in dbSNP (ID: rs34557412) and ClinVar (classified as pathogenic by GeneDx and two other submitters, as likely pathogenic by Invitae and three other submitters, as uncertain significance by Laboratory for Molecular Medicine and five other submitters, as likely benign by Illumina and one other submitter, and as 'risk factor' by University Hospital of Geneva). The variant was identified in control databases in 983 of 282890 chromosomes (4 homozygous) at a frequency of 0.00347, and was observed at the highest frequency in the European (non-Finnish) population in 697 of 129190 chromosomes (freq: 0.005395) (Genome Aggregation Database March 6, 2019, v2.1.1). The p.C104 residue is conserved in mammals and computational analyses (MUT Assesor, PolyPhen-2, SIFT, MutationTaster, Revel, FATHMM, MetaLR, DANN) suggest that the variant may impact the protein. Furthermore, multiple in vitro functional studies and murine models reveal that this variants leads to decreased protein surface expression, decreased antibody response, and impaired ligand binding ability compared to wildtype (Salzer_2009_PMID: 18981294; Martinez-Gallo_2013_PMID: 23237420; Lee_2010_PMID: 20889194; Bacchelli_2011_PMID: 21458042). The variant occurs outside of the splicing consensus sequence and in silico or computational prediction software programs (Splice AI) do not predict a deleterious effect on splicing. In summary, based on the above information the clinical significance of this variant cannot be determined with certainty at this time although we would lean towards a more pathogenic role for this variant. This variant is classified as likely pathogenic - risk factor for common variable immunodeficiency.

Diagnostic Laboratory, Department of Genetics, University Medical Center Groningen
Classification: Likely pathogenic. Review status: no assertion criteria provided. Collection method: clinical testing. Allele origin: germline. Affected: yes. Study: VKGL Data-share Consensus. Not counted in ClinVar's aggregate classification.

Genome Diagnostics Laboratory, Amsterdam University Medical Center
Classification: Likely pathogenic. Review status: no assertion criteria provided. Collection method: clinical testing. Allele origin: germline. Affected: yes. Study: VKGL Data-share Consensus. Not counted in ClinVar's aggregate classification.

Genome Diagnostics Laboratory, University Medical Center Utrecht
Classification: Pathogenic. Review status: no assertion criteria provided. Collection method: clinical testing. Allele origin: germline. Affected: yes. Study: VKGL Data-share Consensus. Not counted in ClinVar's aggregate classification.

Joint Genome Diagnostic Labs from Nijmegen and Maastricht, Radboudumc and MUMC+
Classification: Likely pathogenic. Review status: no assertion criteria provided. Collection method: clinical testing. Allele origin: germline. Affected: yes. Study: VKGL Data-share Consensus. Not counted in ClinVar's aggregate classification.

Clinical Genomics Laboratory, Stanford Medicine
Classification: Uncertain significance for Immunodeficiency, common variable, 2. Last evaluated: 2020-03-24. Review status: flagged submission. Collection method: clinical testing. Allele origin: germline. Affected: yes. Not counted in ClinVar's aggregate classification.
Comment: The p.Cys104Arg variant in the TNFRSF13B gene has been previously reported in the heterozygous, compound heterozygous, or homozygous state in many individuals with common variable immunodeficiency (CVID; Castigli et al., 2005; de Valles-IbÃ¡Ã±ez et al., 2018; Martinez-Polmar et al., 2009; Salzer et al., 2005). The p.Cys104Arg variant has also been identified in 697/129,190 European chromosomes, including 3 homozygotes, by the Genome Aggregation Database, indicating it may be a common, reduced penetrance allele. The p.Cys104Arg variant is relatively common in the general population, and case-control studies provide conflicting evidence for an association with antibody deficiency (Castigli 2005; de VallesIbanez 2018; Pan-HammarstrÃ¶m et al, 2007; Pulvirenti et al., 2016; Salzer et al., 2009). Functional studies have shown that this variant impairs ligand binding, B cell proliferation, and antibody responses (Castigli et al., 2005; Fried et al., 2011; Lee et al., 2010; Salzer et al., 2005). Computational tools predict that the p.Cys104Arg variant is deleterious; however, the accuracy of in silico algorithms is limited. These data were assessed using the ACMG/AMP variant interpretation guidelines. In summary, the significance of the p.Cys104Arg variant is uncertain; however, there is suspicion that this variant could be associated with common variable immunodeficiency due to functional studies and the predicted impact to the protein. Additional information is needed to resolve the significance of this variant. [ACMG evidence codes used: PS3_moderate; PP3]
ClinVar note: Reason: Older and outlier claim with insufficient supporting evidence

Laboratory for Molecular Medicine, Mass General Brigham Personalized Medicine
Classification: Uncertain significance. Last evaluated: 2018-07-27. Review status: flagged submission. Criteria: LMM Criteria. Collection method: clinical testing. Allele origin: germline. Observed: 1 variant allele. Not counted in ClinVar's aggregate classification.
Comment: proposed classification - variant undergoing re-assessment, contact laboratory
ClinVar note: Reason: Older and outlier claim with insufficient supporting evidence

Center for Pediatric Genomic Medicine, Children's Mercy Hospital and Clinics
Classification: Likely benign. Last evaluated: 2017-09-25. Review status: flagged submission. Criteria: ACMG Guidelines, 2015. Collection method: clinical testing. Allele origin: germline. Not counted in ClinVar's aggregate classification.
ClinVar note: Reason: Older and outlier claim with insufficient supporting evidence

Suma Genomics
Classification: Uncertain significance for Immunodeficiency, common variable, 2. Review status: flagged submission. Criteria: ACMG Guidelines, 2015. Collection method: clinical testing. Allele origin: unknown. Inheritance: Autosomal dominant inheritance. Affected: yes. Not counted in ClinVar's aggregate classification.
ClinVar note: Reason: Older and outlier claim with insufficient supporting evidence

Literature cited by the submitters: PubMed 16007087 (cited by 8 submitters); PubMed 17492055 (cited by 4 submitters); PubMed 20889194 (cited by 7 submitters); PubMed 21419480 (cited by 7 submitters); PubMed 21458042 (cited by 6 submitters); PubMed 23237420 (cited by 5 submitters); PubMed 24051380 (cited by 5 submitters); PubMed 16007086 (cited by 3 submitters); PubMed 17392797 (cited by 7 submitters); PubMed 19779048 (cited by 6 submitters); PubMed 22697072 (cited by 5 submitters); PubMed 27123465 (cited by 6 submitters); PubMed 19210517 (cited by 3 submitters); PubMed 22983507 (cited by 5 submitters); PubMed 34210994 (cited by Victorian Clinical Genetics Services, Murdoch Childrens Research Institute); PubMed 29114388 (cited by 4 submitters); PubMed 34441032 (cited by Victorian Clinical Genetics Services, Murdoch Childrens Research Institute); PubMed 31681265 (cited by Victorian Clinical Genetics Services, Murdoch Childrens Research Institute and AiLife Diagnostics); PubMed 2267072 (cited by Victorian Clinical Genetics Services, Murdoch Childrens Research Institute); PubMed 18981294 (cited by 6 submitters); PubMed 38954121 (cited by Ambry Genetics); PubMed 29921932 (cited by AiLife Diagnostics and Women's Health and Genetics/Laboratory Corporation of America, LabCorp); PubMed 16630947 (cited by 4 submitters); PubMed 29146883 (cited by AiLife Diagnostics and Laboratory for Molecular Medicine, Mass General Brigham Personalized Medicine); PubMed 29867916 (cited by 4 submitters); PubMed 22884984 (cited by AiLife Diagnostics and Laboratory for Molecular Medicine, Mass General Brigham Personalized Medicine); PubMed 21850030 (cited by 3 submitters); PubMed 26727773 (cited by 3 submitters); PubMed 25174870 (cited by AiLife Diagnostics and Laboratory for Molecular Medicine, Mass General Brigham Personalized Medicine); PubMed 29555771 (cited by AiLife Diagnostics and Laboratory for Molecular Medicine, Mass General Brigham Personalized Medicine); PubMed 33258288 (cited by AiLife Diagnostics); PubMed 26100089 (cited by 4 submitters); PubMed 27577878 (cited by AiLife Diagnostics and Laboratory for Molecular Medicine, Mass General Brigham Personalized Medicine); PubMed 32499645 (cited by AiLife Diagnostics); PubMed 32581362 (cited by AiLife Diagnostics); PubMed 30665703 (cited by 3 submitters); PubMed 31618753 (cited by AiLife Diagnostics); PubMed 17392798 (cited by Mayo Clinic Laboratories, Mayo Clinic and OMIM); PubMed 16782407 (cited by Women's Health and Genetics/Laboratory Corporation of America, LabCorp); PubMed 17983875 (cited by Women's Health and Genetics/Laboratory Corporation of America, LabCorp); PubMed 17192819 (cited by Women's Health and Genetics/Laboratory Corporation of America, LabCorp); PubMed 21547394 (cited by Women's Health and Genetics/Laboratory Corporation of America, LabCorp and Laboratory for Molecular Medicine, Mass General Brigham Personalized Medicine); PubMed 31203817 (cited by Women's Health and Genetics/Laboratory Corporation of America, LabCorp); PubMed 30723478 (cited by Women's Health and Genetics/Laboratory Corporation of America, LabCorp); PubMed 27379089 (cited by Women's Health and Genetics/Laboratory Corporation of America, LabCorp); PubMed 26122175 (cited by Laboratory for Molecular Medicine, Mass General Brigham Personalized Medicine); PubMed 22699762 (cited by Laboratory for Molecular Medicine, Mass General Brigham Personalized Medicine); PubMed 19629655 (cited by Laboratory for Molecular Medicine, Mass General Brigham Personalized Medicine); PubMed 19392801 (cited by Laboratory for Molecular Medicine, Mass General Brigham Personalized Medicine); PubMed 22076597 (cited by Laboratory for Molecular Medicine, Mass General Brigham Personalized Medicine); PubMed 22627058 (cited by Laboratory for Molecular Medicine, Mass General Brigham Personalized Medicine).